The following is an entry in ClinVar:

NM_017909.4(RMND1):c.461G>A (p.Arg154Lys)

Gene: RMND1 (required for meiotic nuclear division 1 homolog; minus strand). Cytogenetic location: 6q25.1.
Variant type: single nucleotide variant.
Coding change: c.461G>A on transcript NM_017909.4 (MANE Select); coding-DNA position 461, G replaced by A.
Protein change: p.Arg154Lys; replaces arginine 154 with lysine.
Molecular consequence: missense variant. On other transcripts: intron variant (1).
Genome position (GRCh38, 1-based): chr6:151,445,351, C>T on the plus strand (G>A on the coding strand, the complement: RMND1 is on the minus strand). VCF-style: chr6-151445351-C-T. GRCh37 (hg19) VCF-style: chr6-151766486-C-T.
Other names: c.-7+6665G>A (NM_001271937.2); short protein forms R154K.
Identifiers: ClinVar variation 2078844 (VCV002078844.4), dbSNP rs773334427, ClinGen allele CA366064499.
Genomic context (GRCh38, chr6:151,445,351, plus strand): 5'-GGCCACCCCTACTTTACCTCGTTCACAGACAGAACTGGAAGGTTGGTCCTGGATGGCTGT[C>T]TGGTCCTGGATGCTTTTAGTGGTCTCTTCACCTGTGGGAAGTCTTGTTTTGGAACAAATG-3'
Protein context (NP_060379.2, residues 144-164): VKRPLKASRT[Arg154Lys]QPSRTNLPVL

ClinVar aggregate classification (germline): Uncertain significance (1 of 4 stars; one submission).

Submission:

Labcorp Genetics (formerly Invitae), Labcorp
Classification: Uncertain significance. Last evaluated: 2022-07-06. Review status: criteria provided, single submitter. Criteria: Invitae Variant Classification Sherloc (09022015). Collection method: clinical testing. Allele origin: germline.
Comment: In summary, the available evidence is currently insufficient to determine the role of this variant in disease. Therefore, it has been classified as a Variant of Uncertain Significance. Algorithms developed to predict the effect of missense changes on protein structure and function output the following: SIFT: "Tolerated"; PolyPhen-2: "Benign"; Align-GVGD: "Class C0". The lysine amino acid residue is found in multiple mammalian species, which suggests that this missense change does not adversely affect protein function. This variant has not been reported in the literature in individuals affected with RMND1-related conditions. This variant is not present in population databases (gnomAD no frequency). This sequence change replaces arginine, which is basic and polar, with lysine, which is basic and polar, at codon 154 of the RMND1 protein (p.Arg154Lys).